The following is an entry in ClinVar:

NM_003560.4(PLA2G6):c.680C>T (p.Ala227Val)

Gene: PLA2G6 (phospholipase A2 group VI; minus strand). Cytogenetic location: 22q13.1.
Variant type: single nucleotide variant.
Coding change: c.680C>T on transcript NM_003560.4 (MANE Select); coding-DNA position 680, C replaced by T.
Protein change: p.Ala227Val; replaces alanine 227 with valine.
Molecular consequence: missense variant. On other transcripts: intron variant (1).
Genome position (GRCh38, 1-based): chr22:38,140,099, G>A on the plus strand (C>T on the coding strand, the complement: PLA2G6 is on the minus strand). VCF-style: chr22-38140099-G-A. GRCh37 (hg19) VCF-style: chr22-38536106-G-A.
Other names: NM_001004426.3:c.680C>T; c.680C>T, p.Ala227Val (NM_001004426.3, NM_001199562.3, NM_001349864.2 and 2 more transcripts); c.146C>T, p.Ala49Val (NM_001349867.2, NM_001349869.2); c.119+3006C>T (NM_001349868.2); short protein forms A49V, A227V.
Identifiers: ClinVar variation 1511286 (VCV001511286.5), dbSNP rs764957976, ClinGen allele CA10231190.
Genomic context (GRCh38, chr22:38,140,099, plus strand): 5'-TTGCACCGAGCATTGCACAGCAGCAGCACGCGGACCATCTCCTGCTTCCCCAGCTGGCAG[G>A]CCAGGTGCAGCGGGGTCAGCCCTTGGTTATTCACCTGGTTCAGGCCAGCCACTGCGTTCC-3'
Protein context (NP_003551.2, residues 217-237): NNQGLTPLHL[Ala227Val]CQLGKQEMVR

ClinVar aggregate classification (germline): Conflicting classifications of pathogenicity. Review status: criteria provided, conflicting classifications (1 of 4 stars). 3 submissions from 3 submitters: Likely pathogenic (2); Uncertain significance (1). Last evaluated 2025-03-10.

Conditions:
Infantile neuroaxonal dystrophy (NBIA2A). Also called: SEITELBERGER DISEASE; NEURODEGENERATION WITH BRAIN IRON ACCUMULATION 2A; Infantile neuroaxonal dystrophy 1. Identifiers: Orphanet 35069, MedGen C0270724, MONDO:0024457, OMIM 256600.
PLA2G6-associated neurodegeneration (PLAN). Also called: phospholipase A2-associated neurodegeneration. Identifiers: Orphanet 329303, MedGen CN204472, MONDO:0017998.
Neurodegeneration with brain iron accumulation (NBIA). Identifiers: Orphanet 385, MedGen C2931845, MONDO:0018307.

Allele frequency attached by ClinVar (database versions not stated): gnomAD exomes 0.00001 and 0.00002; TOPMed 0.00001; ExAC 0.00003.
gnomAD v4.1: 7 of 1,614,064 alleles (0.00043%); highest among the groups gnomAD compares: Admixed American, 0.0017%; no homozygotes.

Submissions (3):

Labcorp Genetics (formerly Invitae), Labcorp
Classification: Likely pathogenic for Infantile neuroaxonal dystrophy. Last evaluated: 2025-03-10. Review status: criteria provided, single submitter. Criteria: Invitae Variant Classification Sherloc (09022015). Collection method: clinical testing. Allele origin: germline.
Comment: This sequence change replaces alanine, which is neutral and non-polar, with valine, which is neutral and non-polar, at codon 227 of the PLA2G6 protein (p.Ala227Val). This variant is present in population databases (rs764957976, gnomAD 0.003%). This missense change has been observed in individual(s) with PLA2G6-related conditions (PMID: 28150298, 30340910; internal data). In at least one individual the data is consistent with being in trans (on the opposite chromosome) from a pathogenic variant. ClinVar contains an entry for this variant (Variation ID: 1511286). Invitae Evidence Modeling of protein sequence and biophysical properties (such as structural, functional, and spatial information, amino acid conservation, physicochemical variation, residue mobility, and thermodynamic stability) indicates that this missense variant is expected to disrupt PLA2G6 protein function with a positive predictive value of 80%. In summary, the currently available evidence indicates that the variant is pathogenic, but additional data are needed to prove that conclusively. Therefore, this variant has been classified as Likely Pathogenic.

Women's Health and Genetics/Laboratory Corporation of America, LabCorp
Classification: Likely pathogenic for Neurodegeneration with brain iron accumulation. Last evaluated: 2023-10-27. Review status: criteria provided, single submitter. Criteria: LabCorp Variant Classification Summary - May 2015. Collection method: clinical testing. Allele origin: germline.
Comment: Variant summary: PLA2G6 c.680C>T (p.Ala227Val) results in a non-conservative amino acid change in the encoded protein sequence. Five of five in-silico tools predict a damaging effect of the variant on protein function. The variant allele was found at a frequency of 1.6e-05 in 251178 control chromosomes. c.680C>T has been reported in the literature in at-least two twins diagnosed with PLA2G6-related neurodegeneration (example, Tello_2017, Darling_2019). Both copies of the variant were inherited from the father by uniparental disomy. These data indicate that the variant is likely to be associated with disease. To our knowledge, no experimental evidence demonstrating an impact on protein function has been reported. The following publications have been ascertained in the context of this evaluation (PMID: 30340910, 28150298). Two submitters have cited clinical-significance assessments for this variant to ClinVar after 2014. Both submitters classified the variant as uncertain significance. Based on the evidence outlined above, the variant was classified as likely pathogenic.

Broad Center for Mendelian Genomics, Broad Institute of MIT and Harvard
Classification: Uncertain significance for PLA2G6-associated neurodegeneration. Last evaluated: 2023-01-24. Review status: criteria provided, single submitter. Criteria: ACMG Guidelines, 2015. Collection method: curation. Allele origin: germline. Inheritance: Autosomal recessive inheritance.
Comment: The p.Ala227Val variant in PLA2G6 has been reported in 2 individuals with PLA2G6-associated neurodegeneration (PMID: 28150298, 29577258) and has been identified in 0.003% (1/34586) of Latino/Admixed American chromosomes by the Genome Aggregation Database (gnomAD; dbSNP ID: rs764957976). Although this variant has been seen in the general population in a heterozygous state, its frequency is low enough to be consistent with a recessive carrier frequency. Of the 2 affected individuals, both were homozygotes, which increases the likelihood that the p.Ala227Val variant is pathogenic (PMID: 28150298, 29577258). Computational prediction tools and conservation analyses suggest that this variant may impact the protein, though this information is not predictive enough to determine pathogenicity. In summary, the clinical significance of the p.Ala227Val variant is uncertain. ACMG/AMP Criteria applied: PM2_supporting, PP3, PM3 (Richards 2015).

Literature cited by the submitters: PubMed 28150298 (cited by Labcorp Genetics (formerly Invitae), Labcorp and Women's Health and Genetics/Laboratory Corporation of America, LabCorp); PubMed 30340910 (cited by Labcorp Genetics (formerly Invitae), Labcorp and Women's Health and Genetics/Laboratory Corporation of America, LabCorp).